The following is an entry in ClinVar:

ClinVar aggregate classification (germline): Uncertain significance (1 of 4 stars; one submission).

Conditions:
Hereditary cancer-predisposing syndrome. Also called: Neoplastic Syndromes, Hereditary; Tumor predisposition; Hereditary Cancer Syndrome; Hereditary neoplastic syndrome. Identifiers: Orphanet 140162, MedGen C0027672, MeSH D009386, MONDO:0015356.

Allele frequency attached by ClinVar (database versions not stated): gnomAD exomes below 0.00001.

Submission:

Ambry Genetics
Classification: Uncertain significance for Hereditary cancer-predisposing syndrome. Last evaluated: 2021-08-15. Review status: criteria provided, single submitter. Criteria: Ambry Variant Classification Scheme 2023. Collection method: clinical testing. Allele origin: germline.
Comment: The p.D422G variant (also known as c.1265A>G), located in coding exon 8 of the PDGFRA gene, results from an A to G substitution at nucleotide position 1265. The aspartic acid at codon 422 is replaced by glycine, an amino acid with similar properties. This amino acid position is conserved. In addition, this alteration is predicted to be deleterious by in silico analysis. Since supporting evidence is limited at this time, the clinical significance of this alteration remains unclear.

NM_006206.6(PDGFRA):c.1265A>G (p.Asp422Gly)

Gene: PDGFRA (platelet derived growth factor receptor alpha; plus strand). Cytogenetic location: 4q12.
Variant type: single nucleotide variant.
Coding change: c.1265A>G on transcript NM_006206.6 (MANE Select); coding-DNA position 1265, A replaced by G.
Protein change: p.Asp422Gly; replaces aspartic acid 422 with glycine.
Molecular consequence: missense variant.
Genome position (GRCh38, 1-based): chr4:54,272,421, A>G. VCF-style: chr4-54272421-A-G. GRCh37 (hg19) VCF-style: chr4-55138588-A-G.
Other names: c.1265A>G, p.Asp422Gly (NM_001347827.2, NM_001347829.2); c.1340A>G, p.Asp447Gly (NM_001347828.2); c.1304A>G, p.Asp435Gly (NM_001347830.2); short protein forms D422G, D435G, D447G.
Identifiers: ClinVar variation 1763994 (VCV001763994.2), dbSNP rs1285204456, ClinGen allele CA356892190.